The following is an entry in ClinVar:

ClinVar aggregate classification (germline): Uncertain significance (1 of 4 stars; one submission).

Conditions:
Pheochromocytoma. Also called: MAX-Related Hereditary Paraganglioma-Pheochromocytoma Syndrome. Identifiers: Orphanet 29072, MedGen C0031511, MONDO:0008233, OMIM 171300, HP:0002666.
Pheochromocytoma/paraganglioma syndrome 4. Also called: PHEOCHROMOCYTOMA, FAMILIAL EXTRAADRENAL; CAROTID BODY TUMORS AND MULTIPLE EXTRAADRENAL PHEOCHROMOCYTOMAS; PARAGANGLIOMA, FAMILIAL MALIGNANT; PARAGANGLIOMAS, HEREDITARY EXTRAADRENAL; Paragangliomas 4; SDHB-Related Hereditary Paraganglioma-Pheochromocytoma Syndrome (Paragangliomas 4). Identifiers: Orphanet 29072, MedGen C1861848, MONDO:0007273, OMIM 115310.
Gastrointestinal stromal tumor. Also called: Gastrointestinal stromal tumor, somatic; Gastrointestinal stroma tumor. Identifiers: Orphanet 44890, MedGen C0238198, MeSH D046152, MONDO:0011719, OMIM 606764, HP:0100723.

Allele frequency attached by ClinVar (database versions not stated): gnomAD exomes below 0.00001; ExAC 0.00001.
gnomAD v4.1: 1 of 1,597,338 alleles (0.000063%); highest among the groups gnomAD compares: South Asian, 0.0011%; no homozygotes.

Submission:

Labcorp Genetics (formerly Invitae), Labcorp
Classification: Uncertain significance for Gastrointestinal stromal tumor; Pheochromocytoma/paraganglioma syndrome 4; Pheochromocytoma. Last evaluated: 2025-02-16. Review status: criteria provided, single submitter. Criteria: Invitae Variant Classification Sherloc (09022015). Collection method: clinical testing. Allele origin: germline.
Comment: This sequence change replaces glutamic acid, which is acidic and polar, with glycine, which is neutral and non-polar, at codon 175 of the SDHB protein (p.Glu175Gly). This variant is present in population databases (rs746643960, gnomAD 0.003%). This variant has not been reported in the literature in individuals affected with SDHB-related conditions. ClinVar contains an entry for this variant (Variation ID: 1516393). Invitae Evidence Modeling of protein sequence and biophysical properties (such as structural, functional, and spatial information, amino acid conservation, physicochemical variation, residue mobility, and thermodynamic stability) indicates that this missense variant is not expected to disrupt SDHB protein function with a negative predictive value of 80%. In summary, the available evidence is currently insufficient to determine the role of this variant in disease. Therefore, it has been classified as a Variant of Uncertain Significance.

NM_003000.3(SDHB):c.524A>G (p.Glu175Gly)

Gene: SDHB (succinate dehydrogenase complex iron sulfur subunit B; minus strand). Cytogenetic location: 1p36.13.
Variant type: single nucleotide variant.
Coding change: c.524A>G on transcript NM_003000.3 (MANE Select); coding-DNA position 524, A replaced by G.
Protein change: p.Glu175Gly; replaces glutamic acid 175 with glycine.
Molecular consequence: missense variant.
Genome position (GRCh38, 1-based): chr1:17,027,765, T>C on the plus strand (A>G on the coding strand, the complement: SDHB is on the minus strand). VCF-style: chr1-17027765-T-C. GRCh37 (hg19) VCF-style: chr1-17354260-T-C.
Other names: short protein forms E175G.
Identifiers: ClinVar variation 1516393 (VCV001516393.8), dbSNP rs746643960, ClinGen allele CA089638.